The following is an entry in ClinVar:

ClinVar aggregate classification (germline): Uncertain significance. Review status: criteria provided, multiple submitters, no conflicts (2 of 4 stars). 3 submissions from 3 submitters: Uncertain significance (3). Last evaluated 2025-11-04.

Conditions:
Pheochromocytoma/paraganglioma syndrome 5. Also called: Paragangliomas 5; SDHA-Related Hereditary Paraganglioma-Pheochromocytoma Syndrome. Identifiers: Orphanet 29072, MedGen C3279992, MONDO:0013602, OMIM 614165.
Mitochondrial complex II deficiency, nuclear type 1. Also called: SUCCINATE CoQ REDUCTASE DEFICIENCY. Identifiers: Orphanet 3208, MedGen C5700310, MONDO:0100294, OMIM 252011.
Hereditary cancer-predisposing syndrome. Also called: Tumor predisposition; Hereditary neoplastic syndrome; Neoplastic Syndromes, Hereditary; Hereditary Cancer Syndrome. Identifiers: Orphanet 140162, MedGen C0027672, MeSH D009386, MONDO:0015356.
Dilated cardiomyopathy 1GG (CMD1GG). Identifiers: Orphanet 154, MedGen C3150898, MONDO:0013339, OMIM 613642.

Submissions (3):

Ambry Genetics
Classification: Uncertain significance for Hereditary cancer-predisposing syndrome. Last evaluated: 2025-11-04. Review status: criteria provided, single submitter. Criteria: Ambry Variant Classification Scheme 2023. Collection method: clinical testing. Allele origin: germline.
Comment: The p.C238G variant (also known as c.712T>G), located in coding exon 6 of the SDHA gene, results from a T to G substitution at nucleotide position 712. The cysteine at codon 238 is replaced by glycine, an amino acid with highly dissimilar properties. This amino acid position is highly conserved in available vertebrate species. In addition, this alteration is predicted to be deleterious by in silico analysis. Since supporting evidence is limited at this time, the clinical significance of this alteration remains unclear.

Labcorp Genetics (formerly Invitae), Labcorp
Classification: Uncertain significance for Pheochromocytoma/paraganglioma syndrome 5; Mitochondrial complex II deficiency, nuclear type 1. Last evaluated: 2025-07-18. Review status: criteria provided, single submitter. Criteria: Invitae Variant Classification Sherloc (09022015). Collection method: clinical testing. Allele origin: germline.
Comment: This sequence change replaces cysteine, which is neutral and slightly polar, with glycine, which is neutral and non-polar, at codon 238 of the SDHA protein (p.Cys238Gly). This variant is not present in population databases (gnomAD no frequency). This variant has not been reported in the literature in individuals affected with SDHA-related conditions. ClinVar contains an entry for this variant (Variation ID: 826859). Invitae Evidence Modeling of protein sequence and biophysical properties (such as structural, functional, and spatial information, amino acid conservation, physicochemical variation, residue mobility, and thermodynamic stability) indicates that this missense variant is not expected to disrupt SDHA protein function with a negative predictive value of 95%. In summary, the available evidence is currently insufficient to determine the role of this variant in disease. Therefore, it has been classified as a Variant of Uncertain Significance.

Baylor Genetics
Classification: Uncertain significance for Dilated cardiomyopathy 1GG. Last evaluated: 2024-01-17. Review status: criteria provided, single submitter. Criteria: ACMG Guidelines, 2015. Collection method: clinical testing. Allele origin: unknown.

NM_004168.4(SDHA):c.712T>G (p.Cys238Gly)

Gene: SDHA (succinate dehydrogenase complex flavoprotein subunit A; plus strand). Cytogenetic location: 5p15.33.
Variant type: single nucleotide variant.
Coding change: c.712T>G on transcript NM_004168.4 (MANE Select); coding-DNA position 712, T replaced by G.
Protein change: p.Cys238Gly; replaces cysteine 238 with glycine.
Molecular consequence: missense variant.
Genome position (GRCh38, 1-based): chr5:228,275, T>G. VCF-style: chr5-228275-T-G. GRCh37 (hg19) VCF-style: chr5-228390-T-G.
Other names: c.568T>G, p.Cys190Gly (NM_001294332.2); c.712T>G, p.Cys238Gly (NM_001330758.2); short protein forms C190G, C238G.
Identifiers: ClinVar variation 826859 (VCV000826859.15), dbSNP rs1579391373, ClinGen allele CA359011009.